The following is an entry in ClinVar:

NM_005276.4(GPD1):c.954-6A>G

Gene: GPD1 (glycerol-3-phosphate dehydrogenase 1; plus strand). Cytogenetic location: 12q13.12.
Variant type: single nucleotide variant.
Coding change: c.954-6A>G on transcript NM_005276.4 (MANE Select); 6 bases into the intron before coding-DNA position 954, A replaced by G.
Molecular consequence: intron variant.
Genome position (GRCh38, 1-based): chr12:50,109,417, A>G. VCF-style: chr12-50109417-A-G. GRCh37 (hg19) VCF-style: chr12-50503200-A-G.
Other names: c.885-6A>G (NM_001257199.2).
Identifiers: ClinVar variation 1487858 (VCV001487858.6), dbSNP rs751168052, ClinGen allele CA6561826.
Genomic context (GRCh38, chr12:50,109,417, plus strand): 5'-GTGGGGGTGGGGGTAGAGTGGACCAGGAGTGGGAGGCTAAGCTGAGCCTTTCCCTCTCCA[A>G]TCTAGGTTTCCCTTGTTCATGGCTGTGTACAAGGTGTGCTACGAGGGCCAGCCAGTGGGT-3'

ClinVar aggregate classification (germline): Uncertain significance (1 of 4 stars; one submission).

Allele frequency attached by ClinVar (database versions not stated): TOPMed below 0.00001; ExAC 0.00002; gnomAD exomes 0.00002.
gnomAD v4.1: 23 of 1,482,554 alleles (0.0016%); highest among the groups gnomAD compares: South Asian, 0.019%; 1 homozygote.

Submission:

Labcorp Genetics (formerly Invitae), Labcorp
Classification: Uncertain significance. Last evaluated: 2024-10-21. Review status: criteria provided, single submitter. Criteria: Invitae Variant Classification Sherloc (09022015). Collection method: clinical testing. Allele origin: germline.
Comment: This sequence change falls in intron 7 of the GPD1 gene. It does not directly change the encoded amino acid sequence of the GPD1 protein. This variant is present in population databases (rs751168052, gnomAD 0.01%). This variant has not been reported in the literature in individuals affected with GPD1-related conditions. ClinVar contains an entry for this variant (Variation ID: 1487858). Algorithms developed to predict the effect of sequence changes on RNA splicing suggest that this variant may disrupt the consensus splice site. In summary, the available evidence is currently insufficient to determine the role of this variant in disease. Therefore, it has been classified as a Variant of Uncertain Significance.